The following is an entry in ClinVar:

ClinVar aggregate classification (germline): Uncertain significance (1 of 4 stars; one submission).

Allele frequency attached by ClinVar (database versions not stated): gnomAD exomes 0.00002; TOPMed 0.00009; gnomAD 0.00012.
gnomAD v4.1: 28 of 1,612,022 alleles (0.0017%); highest among the groups gnomAD compares: Admixed American, 0.047%; no homozygotes.

Submission:

Labcorp Genetics (formerly Invitae), Labcorp
Classification: Uncertain significance. Last evaluated: 2022-01-27. Review status: criteria provided, single submitter. Criteria: Invitae Variant Classification Sherloc (09022015). Collection method: clinical testing. Allele origin: germline.
Comment: In summary, the available evidence is currently insufficient to determine the role of this variant in disease. Therefore, it has been classified as a Variant of Uncertain Significance. Algorithms developed to predict the effect of missense changes on protein structure and function (SIFT, PolyPhen-2, Align-GVGD) all suggest that this variant is likely to be tolerated. This variant has not been reported in the literature in individuals affected with ASPM-related conditions. This variant is present in population databases (no rsID available, gnomAD 0.03%). This sequence change replaces histidine, which is basic and polar, with tyrosine, which is neutral and polar, at codon 2505 of the ASPM protein (p.His2505Tyr).

NM_018136.5(ASPM):c.7513C>T (p.His2505Tyr)

Gene: ASPM (assembly factor for spindle microtubules; minus strand). Cytogenetic location: 1q31.3.
Variant type: single nucleotide variant.
Coding change: c.7513C>T on transcript NM_018136.5 (MANE Select); coding-DNA position 7513, C replaced by T.
Protein change: p.His2505Tyr; replaces histidine 2505 with tyrosine.
Molecular consequence: missense variant. On other transcripts: intron variant (1).
Genome position (GRCh38, 1-based): chr1:197,101,738, G>A on the plus strand (C>T on the coding strand, the complement: ASPM is on the minus strand). VCF-style: chr1-197101738-G-A. GRCh37 (hg19) VCF-style: chr1-197070868-G-A.
Other names: c.4066-5574C>T (NM_001206846.2); short protein forms H2505Y.
Identifiers: ClinVar variation 2196647 (VCV002196647.2), dbSNP rs1409874926, ClinGen allele CA344018654.